The following is an entry in ClinVar:

NM_000545.8(HNF1A):c.1487_1494del (p.Leu496fs)

Gene: HNF1A (HNF1 homeobox A; plus strand). Cytogenetic location: 12q24.31.
Variant type: Deletion.
Coding change: c.1487_1494del on transcript NM_000545.8 (MANE Select); coding-DNA positions 1487 to 1494, 8 bases deleted (TGCAGAGC; older notation c.1487_1494delTGCAGAGC).
Protein change: p.Leu496fs; shifts the reading frame from leucine 496.
Molecular consequence: frameshift variant.
Genome position (GRCh38, 1-based): chr12:120,997,651-120,997,658, TGCAGAGC deleted; deleting any 8 consecutive bases within chr12:120,997,648-120,997,658 gives the same sequence; the c. name uses the placement nearest the transcript's 3' end. VCF-style (leftmost placement, unchanged base first): chr12-120997647-CAGCTGCAG-C. GRCh37 (hg19) VCF-style: chr12-121435450-CAGCTGCAG-C.
Other names: c.1487_1494del, p.Leu496fs (NM_001306179.2); short protein forms L496fs.
Identifiers: ClinVar variation 1700667 (VCV001700667.3), dbSNP rs2500005690, ClinGen allele CA2580085891.

ClinVar aggregate classification (germline): Pathogenic/Likely pathogenic. Review status: criteria provided, multiple submitters, no conflicts (2 of 4 stars). 2 submissions from 2 submitters: Pathogenic (1); Likely pathogenic (1). Last evaluated 2022-08-02.

Conditions:
Maturity-onset diabetes of the young (MODY). Also called: Maturity onset diabetes mellitus in young. Identifiers: Orphanet 552, MedGen C0342276, MONDO:0018911, HP:0004904.
Maturity-onset diabetes of the young type 3. Also called: MODY type 3; MODY, type III. Identifiers: Orphanet 552, MedGen C1838100, MeSH C563933, MONDO:0010894, OMIM 600496. Disease mechanism: loss of function.

Submissions (2):

Geisinger Clinic, Geisinger Health System
Classification: Pathogenic for Maturity-onset diabetes of the young type 3. Last evaluated: 2022-08-02. Review status: criteria provided, single submitter. Criteria: ACMG Guidelines, 2015. Collection method: research. Allele origin: germline. Inheritance: Autosomal dominant inheritance. Affected: yes. Observed: 1 variant allele.
Comment: PVS1, PM2

Laboratory for Molecular Medicine, Mass General Brigham Personalized Medicine
Classification: Likely pathogenic for Maturity-onset diabetes of the young. Last evaluated: 2020-11-06. Review status: criteria provided, single submitter. Criteria: ACMG Guidelines, 2015. Collection method: clinical testing. Allele origin: germline.
Comment: The p.Leu496ProfsX50 variant in HNF1A has not been reported in individuals with disease and was absent from large population studies. This variant is predicted to cause a frameshift, which alters the protein’s amino acid sequence beginning at position 496 and leads to a premature termination codon 50 amino acids downstream. This alteration is then predicted to lead to a truncated or absent protein. Heterozygous loss of function of the HNF1A gene is an established disease mechanism in autosomal dominant maturity onset diabetes of the young (MODY). In summary, although additional studies are required to fully establish its clinical significance, this variant meets criteria to be classified as likely pathogenic for autosomal dominant MODY. ACMG/AMP Criteria applied: PM2, PVS1.

Literature cited by the submitters: PubMed 36257325 (cited by Geisinger Clinic, Geisinger Health System).